The following is an entry in ClinVar:

ClinVar aggregate classification (germline): Conflicting classifications of pathogenicity. Review status: criteria provided, conflicting classifications (1 of 4 stars). 2 submissions from 2 submitters: Uncertain significance (1); Likely benign (1). Last evaluated 2025-05-13.

Conditions:
LARS2-related disorder. Also called: LARS2-related condition.

gnomAD v4.1: 90 of 1,613,642 alleles (0.0056%); highest among the groups gnomAD compares: East Asian, 0.17%; no homozygotes.

Submissions (2):

PreventionGenetics, part of Exact Sciences
Classification: Likely benign for LARS2-related condition. Last evaluated: 2025-05-13. Review status: criteria provided, single submitter. Criteria: ACMG Guidelines, 2015. Collection method: clinical testing. Allele origin: germline.
Comment: This variant is classified as likely benign based on ACMG/AMP sequence variant interpretation guidelines (Richards et al. 2015 PMID: 25741868, with internal and published modifications).

GeneDx
Classification: Uncertain significance. Last evaluated: 2024-05-30. Review status: criteria provided, single submitter. Criteria: GeneDx Variant Classification Process June 2021. Collection method: clinical testing. Allele origin: germline. Affected: yes.
Comment: In silico analysis indicates that this missense variant does not alter protein structure/function; Has not been previously published as pathogenic or benign to our knowledge

NM_015340.4(LARS2):c.2168C>A (p.Ala723Asp)

Gene: LARS2 (leucyl-tRNA synthetase 2, mitochondrial; plus strand). Cytogenetic location: 3p21.31.
Variant type: single nucleotide variant.
Coding change: c.2168C>A on transcript NM_015340.4 (MANE Select); coding-DNA position 2168, C replaced by A.
Protein change: p.Ala723Asp; replaces alanine 723 with aspartic acid.
Molecular consequence: missense variant.
Genome position (GRCh38, 1-based): chr3:45,518,026, C>A. VCF-style: chr3-45518026-C-A. GRCh37 (hg19) VCF-style: chr3-45559518-C-A.
Other names: c.2168C>A, p.Ala723Asp (NM_001368263.1); short protein forms A723D.
Identifiers: ClinVar variation 3383454 (VCV003383454.2).